The following is an entry in ClinVar:

ClinVar aggregate classification (germline): Uncertain significance. Review status: criteria provided, multiple submitters, no conflicts (2 of 4 stars). 2 submissions from 2 submitters: Uncertain significance (2). Last evaluated 2025-06-09.

Conditions:
Hypercholesterolemia, autosomal dominant, 3 (FHCL3). Also called: Familial Hypercholesterolemia, Autosomal Dominant, 3; PCSK9-Related Familial Hypercholesterolemia, Autosomal Dominant; Familial hypercholesterolemia 3. Identifiers: MedGen C1863551, MONDO:0011369, OMIM 603776.
Familial hypercholesterolemia. Also called: Familial hypercholesterolaemia; Familial hypercholesterolemias. Identifiers: MedGen C0020445, MONDO:0005439.

Allele frequency attached by ClinVar (database versions not stated): gnomAD exomes 0.00001.
gnomAD v4.1: 16 of 1,610,080 alleles (0.00099%); highest among the groups gnomAD compares: South Asian, 0.017%; 1 homozygote.

Submissions (2):

Color Diagnostics, LLC DBA Color Health
Classification: Uncertain significance for Familial hypercholesterolemia. Last evaluated: 2025-06-09. Review status: criteria provided, single submitter. Criteria: ACMG Guidelines, 2015. Collection method: clinical testing. Allele origin: germline.
Comment: This missense variant replaces serine with asparagine at codon 274 of the PCSK9 protein. Computational prediction suggests that this variant may not impact protein structure and function. To our knowledge, functional studies have not been reported for this variant. This variant has not been reported in individuals affected with PCSK9-related disorders in the literature. This variant has been identified in 4/242402 chromosomes in the general population by the Genome Aggregation Database (gnomAD). The available evidence is insufficient to determine the role of this variant in disease conclusively. Therefore, this variant is classified as a Variant of Uncertain Significance.

All of Us Research Program, National Institutes of Health
Classification: Uncertain significance for Hypercholesterolemia, autosomal dominant, 3. Last evaluated: 2024-09-23. Review status: criteria provided, single submitter. Criteria: ACMG Guidelines, 2015. Collection method: clinical testing. Allele origin: germline. Inheritance: Autosomal dominant inheritance. Observed: 2 variant alleles, 2 heterozygotes.
Comment: This study involves interpretation of variants in research participants for the purpose of population health screening. Participant phenotype was not available at the time of variant classification. Additional details can be found in publication PMID: 35346344, PMCID: PMC8962531

NM_174936.4(PCSK9):c.821G>A (p.Ser274Asn)

Gene: PCSK9 (proprotein convertase subtilisin/kexin type 9; plus strand). Cytogenetic location: 1p32.3.
Variant type: single nucleotide variant.
Coding change: c.821G>A on transcript NM_174936.4 (MANE Select); coding-DNA position 821, G replaced by A.
Protein change: p.Ser274Asn; replaces serine 274 with asparagine.
Molecular consequence: missense variant. On other transcripts: non-coding transcript variant (8).
Genome position (GRCh38, 1-based): chr1:55,056,014, G>A. VCF-style: chr1-55056014-G-A. GRCh37 (hg19) VCF-style: chr1-55521687-G-A.
Other names: c.944G>A, p.Ser315Asn (NM_001407240.1); c.821G>A, p.Ser274Asn (NM_001407241.1, NM_001407244.1, NM_001407247.1); c.824G>A, p.Ser275Asn (NM_001407242.1); c.764G>A, p.Ser255Asn (NM_001407243.1); c.629G>A, p.Ser210Asn (NM_001407245.1); c.446G>A, p.Ser149Asn (NM_001407246.1); short protein forms S149N, S210N, S255N, S274N, S275N, S315N.
Identifiers: ClinVar variation 3075355 (VCV003075355.3), dbSNP rs1260868962, ClinGen allele CA340474344.